The following is an entry in ClinVar:

NM_000548.5(TSC2):c.2497A>G (p.Ile833Val)

Gene: TSC2 (TSC complex subunit 2; plus strand). Cytogenetic location: 16p13.3.
Variant type: single nucleotide variant.
Coding change: c.2497A>G on transcript NM_000548.5 (MANE Select); coding-DNA position 2497, A replaced by G.
Protein change: p.Ile833Val; replaces isoleucine 833 with valine.
Molecular consequence: missense variant.
Genome position (GRCh38, 1-based): chr16:2,074,341, A>G. VCF-style: chr16-2074341-A-G. GRCh37 (hg19) VCF-style: chr16-2124342-A-G.
Other names: c.2497A>G, p.Ile833Val (NM_001077183.3, NM_001114382.3, NM_001363528.2 and 3 more transcripts); c.2386A>G, p.Ile796Val (NM_001318827.2); c.2350A>G, p.Ile784Val (NM_001318829.2); c.1897A>G, p.Ile633Val (NM_001318831.2); c.2530A>G, p.Ile844Val (NM_001318832.2); short protein forms I633V, I833V, I784V, I796V, I844V.
Identifiers: ClinVar variation 1448335 (VCV001448335.9), dbSNP rs2151354485, ClinGen allele CA394277811.
Genomic context (GRCh38, chr16:2,074,341, plus strand): 5'-GTGGAGATGCCTGACATCATCATCAAGGCGCTGCCTGTTCTGGTGGTGAAGCTCACGCAC[A>G]TCTCAGCCACAGCCAGCATGGCCGTCCCACTGCTGGAGTTCCTGTCCAGTGAGTCCCCGC-3'
Protein context (NP_000539.2, residues 823-843): LPVLVVKLTH[Ile833Val]SATASMAVPL

ClinVar aggregate classification (germline): Uncertain significance (1 of 4 stars; one submission).

Conditions:
Tuberous sclerosis 2 (TSC2). Identifiers: Orphanet 805, MedGen C1860707, MONDO:0013199, OMIM 613254.

gnomAD v4.1: 1 of 1,612,712 alleles (0.000062%); highest among the groups gnomAD compares: Non-Finnish European, 0.000085%; no homozygotes.

Submission:

Labcorp Genetics (formerly Invitae), Labcorp
Classification: Uncertain significance for Tuberous sclerosis 2. Last evaluated: 2025-05-15. Review status: criteria provided, single submitter. Criteria: Invitae Variant Classification Sherloc (09022015). Collection method: clinical testing. Allele origin: germline.
Comment: This sequence change replaces isoleucine, which is neutral and non-polar, with valine, which is neutral and non-polar, at codon 833 of the TSC2 protein (p.Ile833Val). This variant is not present in population databases (gnomAD no frequency). This variant has not been reported in the literature in individuals affected with TSC2-related conditions. ClinVar contains an entry for this variant (Variation ID: 1448335). Invitae Evidence Modeling of protein sequence and biophysical properties (such as structural, functional, and spatial information, amino acid conservation, physicochemical variation, residue mobility, and thermodynamic stability) indicates that this missense variant is not expected to disrupt TSC2 protein function with a negative predictive value of 95%. In summary, the available evidence is currently insufficient to determine the role of this variant in disease. Therefore, it has been classified as a Variant of Uncertain Significance.